The following is an entry in ClinVar:

ClinVar aggregate classification (germline): Likely benign. Review status: criteria provided, multiple submitters, no conflicts (2 of 4 stars). 2 submissions from 2 submitters: Likely benign (2). Last evaluated 2026-02-01.

Conditions:
Mitochondrial DNA depletion syndrome 9 (MTDPS9). Also called: SUCLG1-Related Mitochondrial DNA Depletion Syndrome, Encephalomyopathic Form with Methylmalonic Aciduria. Identifiers: Orphanet 17, MedGen C3151476, MONDO:0009504, OMIM 245400.

Allele frequency attached by ClinVar (database versions not stated): TOPMed 0.00025.
gnomAD v4.1: 102 of 1,614,062 alleles (0.0063%); highest among the groups gnomAD compares: East Asian, 0.21%; no homozygotes.

Submissions (2):

Labcorp Genetics (formerly Invitae), Labcorp
Classification: Likely benign for Mitochondrial DNA depletion syndrome 9. Last evaluated: 2026-02-01. Review status: criteria provided, single submitter. Criteria: Invitae Variant Classification Sherloc (09022015). Collection method: clinical testing. Allele origin: germline.

Illumina Laboratory Services, Illumina
Classification: Likely benign for Mitochondrial DNA depletion syndrome 9. Last evaluated: 2018-01-13. Review status: criteria provided, single submitter. Criteria: ICSL Variant Classification Criteria 13 December 2019. Collection method: clinical testing. Allele origin: germline.
Comment: This variant was observed in the ICSL laboratory as part of a predisposition screen in an ostensibly healthy population. It had not been previously curated by ICSL or reported in the Human Gene Mutation Database (HGMD: prior to June 1st, 2018), and was therefore a candidate for classification through an automated scoring system. Utilizing variant allele frequency, disease prevalence and penetrance estimates, and inheritance mode, an automated score was calculated to assess if this variant is too frequent to cause the disease. Based on the score and internal cut-off values, a variant classified as likely benign is not then subjected to further curation. The score for this variant resulted in a classification of likely benign for this disease.

NM_003849.4(SUCLG1):c.242A>G (p.Lys81Arg)

Gene: SUCLG1 (succinate-CoA ligase GDP/ADP-forming subunit alpha; minus strand). Cytogenetic location: 2p11.2.
Variant type: single nucleotide variant.
Coding change: c.242A>G on transcript NM_003849.4 (MANE Select); coding-DNA position 242, A replaced by G.
Protein change: p.Lys81Arg; replaces lysine 81 with arginine.
Molecular consequence: missense variant.
Genome position (GRCh38, 1-based): chr2:84,443,360, T>C on the plus strand (A>G on the coding strand, the complement: SUCLG1 is on the minus strand). VCF-style: chr2-84443360-T-C. GRCh37 (hg19) VCF-style: chr2-84670484-T-C.
Other names: short protein forms K81R.
Identifiers: ClinVar variation 337158 (VCV000337158.13), dbSNP rs564792232, ClinGen allele CA1736369.